The following is an entry in ClinVar:

ClinVar aggregate classification (germline): Pathogenic/Likely pathogenic. Review status: criteria provided, multiple submitters, no conflicts (2 of 4 stars). 3 submissions from 3 submitters: Pathogenic (1); Likely pathogenic (2). Last evaluated 2025-03-27.

Conditions:
Glutamate formiminotransferase deficiency. Also called: Formiminoglutamic aciduria; Arakawa syndrome 1. Identifiers: Orphanet 51208, MedGen C0268609, MONDO:0009240, OMIM 229100.

Submissions (3):

First Genomix Gene Laboratory, Genetic Diagnostics Department
Classification: Likely pathogenic for Glutamate formiminotransferase deficiency. Last evaluated: 2025-03-27. Review status: criteria provided, single submitter. Criteria: ACMG Guidelines, 2015. Collection method: clinical testing. Allele origin: germline. Inheritance: Autosomal recessive inheritance. Affected: no. Observed: 1 variant allele.

Fulgent Genetics
Classification: Likely pathogenic for Glutamate formiminotransferase deficiency. Last evaluated: 2024-02-07. Review status: criteria provided, single submitter. Criteria: ACMG Guidelines, 2015. Collection method: clinical testing. Allele origin: germline.

Labcorp Genetics (formerly Invitae), Labcorp
Classification: Pathogenic for Glutamate formiminotransferase deficiency. Last evaluated: 2020-07-07. Review status: criteria provided, single submitter. Criteria: Invitae Variant Classification Sherloc (09022015). Collection method: clinical testing. Allele origin: germline.
Comment: For these reasons, this variant has been classified as Pathogenic. Loss-of-function variants in FTCD are known to be pathogenic (PMID: 29178637, 29869163). This variant has not been reported in the literature in individuals with FTCD-related conditions. This variant is not present in population databases (ExAC no frequency). This sequence change creates a premature translational stop signal (p.Val99Argfs*5) in the FTCD gene. It is expected to result in an absent or disrupted protein product.

Literature cited by the submitters: PubMed 29178637 (cited by Labcorp Genetics (formerly Invitae), Labcorp); PubMed 29869163 (cited by Labcorp Genetics (formerly Invitae), Labcorp).

NM_206965.2(FTCD):c.293dup (p.Val99fs)

Gene: FTCD (formimidoyltransferase cyclodeaminase; minus strand). Cytogenetic location: 21q22.3.
Variant type: Duplication.
Coding change: c.293dup on transcript NM_206965.2 (MANE Select); coding-DNA position 293, one base duplicated (G; older notation c.293dupG).
Protein change: p.Val99fs; shifts the reading frame from valine 99.
Molecular consequence: frameshift variant.
Genome position (GRCh38, 1-based): chr21:46,152,981, C duplicated on the plus strand (G on the coding strand, the reverse complement: FTCD is on the minus strand); the first of 4 consecutive C bases (chr21:46,152,981-46,152,984); duplicating any one gives the same sequence. VCF-style (leftmost placement, unchanged base first): chr21-46152980-G-GC. GRCh37 (hg19) VCF-style: chr21-47572894-G-GC.
Other names: c.293dupG (NM_006657.3); c.293dup, p.Val99fs (NM_001320412.2, NM_006657.3); short protein forms V99fs.
Identifiers: ClinVar variation 1071137 (VCV001071137.5), dbSNP rs1310075515, ClinGen allele CA749845552.